The following is an entry in ClinVar:

ClinVar aggregate classification (germline): Uncertain significance (1 of 4 stars; one submission).

Allele frequency attached by ClinVar (database versions not stated): gnomAD exomes below 0.00001; TOPMed 0.00001.
gnomAD v4.1: 8 of 1,614,186 alleles (0.0005%); highest among the groups gnomAD compares: South Asian, 0.0011%; no homozygotes.

Submission:

Labcorp Genetics (formerly Invitae), Labcorp
Classification: Uncertain significance. Last evaluated: 2024-01-08. Review status: criteria provided, single submitter. Criteria: Invitae Variant Classification Sherloc (09022015). Collection method: clinical testing. Allele origin: germline.
Comment: This sequence change replaces arginine, which is basic and polar, with cysteine, which is neutral and slightly polar, at codon 56 of the RHOBTB2 protein (p.Arg56Cys). This variant is not present in population databases (gnomAD no frequency). This variant has not been reported in the literature in individuals affected with RHOBTB2-related conditions. ClinVar contains an entry for this variant (Variation ID: 2092136). Advanced modeling of protein sequence and biophysical properties (such as structural, functional, and spatial information, amino acid conservation, physicochemical variation, residue mobility, and thermodynamic stability) performed at Invitae indicates that this missense variant is not expected to disrupt RHOBTB2 protein function with a negative predictive value of 80%. In summary, the available evidence is currently insufficient to determine the role of this variant in disease. Therefore, it has been classified as a Variant of Uncertain Significance.

NM_015178.3(RHOBTB2):c.100C>T (p.Arg34Cys)

Gene: RHOBTB2 (Rho related BTB domain containing 2; plus strand). Cytogenetic location: 8p21.3.
Variant type: single nucleotide variant.
Coding change: c.100C>T on transcript NM_015178.3 (MANE Select); coding-DNA position 100, C replaced by T.
Protein change: p.Arg34Cys; replaces arginine 34 with cysteine.
Molecular consequence: missense variant.
Genome position (GRCh38, 1-based): chr8:23,004,534, C>T. VCF-style: chr8-23004534-C-T. GRCh37 (hg19) VCF-style: chr8-22862047-C-T.
Other names: c.166C>T, p.Arg56Cys (NM_001160036.2); c.121C>T, p.Arg41Cys (NM_001160037.2); c.100C>T, p.Arg34Cys (NM_001374791.1); short protein forms R34C, R41C, R56C.
Identifiers: ClinVar variation 2092136 (VCV002092136.4), dbSNP rs1810889654, ClinGen allele CA370558318.
Genomic context (GRCh38, chr8:23,004,534, plus strand): 5'-ACCATCAAGTGCGTTGTGGTGGGGGACAACGCCGTGGGTAAGACCAGGCTCATCTGTGCC[C>T]GCGCTTGCAATGCCACCCTCACCCAGTACCAGCTGCTGGCCACGCATGTGCCCACAGTAT-3'
Protein context (NP_055993.2, residues 24-44): AVGKTRLICA[Arg34Cys]ACNATLTQYQ